The following is an entry in ClinVar:

NM_138694.4(PKHD1):c.143G>A (p.Gly48Asp)

Gene: PKHD1 (PKHD1 ciliary IPT domain containing fibrocystin/polyductin; minus strand). Cytogenetic location: 6p12.2.
Variant type: single nucleotide variant.
Coding change: c.143G>A on transcript NM_138694.4 (MANE Select); coding-DNA position 143, G replaced by A.
Protein change: p.Gly48Asp; replaces glycine 48 with aspartic acid.
Molecular consequence: missense variant.
Genome position (GRCh38, 1-based): chr6:52,082,530, C>T on the plus strand (G>A on the coding strand, the complement: PKHD1 is on the minus strand). VCF-style: chr6-52082530-C-T. GRCh37 (hg19) VCF-style: chr6-51947328-C-T.
Other names: c.143G>A, p.Gly48Asp (NM_170724.3); short protein forms G48D.
Identifiers: ClinVar variation 576238 (VCV000576238.12), dbSNP rs557361225, ClinGen allele CA3854013.

ClinVar aggregate classification (germline): Uncertain significance. Review status: criteria provided, multiple submitters, no conflicts (2 of 4 stars). 5 submissions from 5 submitters: Uncertain significance (4). 1 of the submissions does not count toward it. Last evaluated 2026-09-21.

Conditions:
Autosomal recessive polycystic kidney disease (ARPKD). Also called: AR polycystic kidney disease. Identifiers: Orphanet 731, Orphanet 8378, MedGen C0085548, MeSH D017044, MONDO:0009889.
PKHD1-related disorder. Also called: PKHD1-related condition.
Polycystic kidney disease 4 (PKD4). Also called: POLYCYSTIC KIDNEY DISEASE 4 WITH OR WITHOUT POLYCYSTIC LIVER DISEASE; Autosomal Recessive Polycystic Kidney Disease – PKHD1; PKD3; POLYCYSTIC KIDNEY AND HEPATIC DISEASE 1; POLYCYSTIC KIDNEY DISEASE, INFANTILE, TYPE I. Identifiers: MedGen C4540575, MONDO:0033004, OMIM 263200.

Allele frequency attached by ClinVar (database versions not stated): TOPMed 0.00003; gnomAD 0.00004 and 0.00007; 1000 Genomes Project 30x 0.00016; 1000 Genomes Project 0.00020; ExAC 0.00002.
gnomAD v4.1: 34 of 1,614,026 alleles (0.0021%); highest among the groups gnomAD compares: Admixed American, 0.025%; no homozygotes.

Submissions (5):

PreventionGenetics, part of Exact Sciences
Classification: Uncertain significance for PKHD1-related condition. Last evaluated: 2026-09-21. Review status: criteria provided, single submitter. Criteria: ACMG Guidelines, 2015. Collection method: clinical testing. Allele origin: germline.
Comment: The PKHD1 c.143G>A variant is predicted to result in the amino acid substitution p.Gly48Asp. To our knowledge, this variant has not been reported in the literature. This variant is reported in 0.0058% of alleles in individuals of Latino descent in gnomAD. At this time, the clinical significance of this variant is uncertain due to the absence of conclusive functional and genetic evidence.

Fulgent Genetics
Classification: Uncertain significance for Polycystic kidney disease 4. Last evaluated: 2024-02-23. Review status: criteria provided, single submitter. Criteria: ACMG Guidelines, 2015. Collection method: clinical testing. Allele origin: germline.

Labcorp Genetics (formerly Invitae), Labcorp
Classification: Uncertain significance for Autosomal recessive polycystic kidney disease. Last evaluated: 2022-08-06. Review status: criteria provided, single submitter. Criteria: Invitae Variant Classification Sherloc (09022015). Collection method: clinical testing. Allele origin: germline.
Comment: This sequence change replaces glycine, which is neutral and non-polar, with aspartic acid, which is acidic and polar, at codon 48 of the PKHD1 protein (p.Gly48Asp). This variant is present in population databases (rs557361225, gnomAD 0.006%). This variant has not been reported in the literature in individuals affected with PKHD1-related conditions. ClinVar contains an entry for this variant (Variation ID: 576238). Advanced modeling of protein sequence and biophysical properties (such as structural, functional, and spatial information, amino acid conservation, physicochemical variation, residue mobility, and thermodynamic stability) performed at Invitae indicates that this missense variant is not expected to disrupt PKHD1 protein function. In summary, the available evidence is currently insufficient to determine the role of this variant in disease. Therefore, it has been classified as a Variant of Uncertain Significance.

Eurofins Ntd Llc (ga)
Classification: Uncertain significance. Last evaluated: 2017-09-29. Review status: criteria provided, single submitter. Criteria: EGL Classification Definitions 2015. Collection method: clinical testing. Allele origin: germline. Observed: 2 variant alleles, 2 heterozygotes.

Natera, Inc.
Classification: Uncertain significance for Autosomal recessive polycystic kidney disease. Last evaluated: 2018-05-05. Review status: no assertion criteria provided. Collection method: clinical testing. Allele origin: germline. Not counted in ClinVar's aggregate classification.